The following is an entry in ClinVar:

NM_001365276.2(TNXB):c.8456T>A (p.Val2819Glu)

Gene: TNXB (tenascin XB; minus strand). Cytogenetic location: 6p21.33.
Variant type: single nucleotide variant.
Coding change: c.8456T>A on transcript NM_001365276.2 (MANE Select); coding-DNA position 8456, T replaced by A.
Protein change: p.Val2819Glu; replaces valine 2819 with glutamic acid.
Molecular consequence: missense variant.
Genome position (GRCh38, 1-based): chr6:32,055,862, A>T on the plus strand (T>A on the coding strand, the complement: TNXB is on the minus strand). VCF-style: chr6-32055862-A-T. GRCh37 (hg19) VCF-style: chr6-32023639-A-T.
Other names: c.9197T>A, p.Val3066Glu (NM_001428335.1); c.8456T>A, p.Val2819Glu (NM_019105.8); short protein forms V3066E, V2819E.
Identifiers: ClinVar variation 4188733 (VCV004188733.1).

ClinVar aggregate classification (germline): Uncertain significance (1 of 4 stars; one submission).

Conditions:
Cardiovascular phenotype. Identifiers: MedGen CN230736.

Submission:

Ambry Genetics
Classification: Uncertain significance for Cardiovascular phenotype. Last evaluated: 2025-08-31. Review status: criteria provided, single submitter. Criteria: Ambry Variant Classification Scheme 2023. Collection method: clinical testing. Allele origin: germline.
Comment: The p.V2819E variant (also known as c.8456T>A), located in coding exon 23 of the TNXB gene, results from a T to A substitution at nucleotide position 8456. The valine at codon 2819 is replaced by glutamic acid, an amino acid with dissimilar properties. This amino acid position is conserved. In addition, this alteration is predicted to be tolerated by in silico analysis. Based on the available evidence, the clinical significance of this variant remains unclear.